The following is an entry in ClinVar:

NM_002471.4(MYH6):c.4455G>T (p.Lys1485Asn)

Gene: MYH6 (myosin heavy chain 6; minus strand). Cytogenetic location: 14q11.2.
Variant type: single nucleotide variant.
Coding change: c.4455G>T on transcript NM_002471.4 (MANE Select); coding-DNA position 4455, G replaced by T.
Protein change: p.Lys1485Asn; replaces lysine 1485 with asparagine.
Molecular consequence: missense variant.
Genome position (GRCh38, 1-based): chr14:23,387,828, C>A on the plus strand (G>T on the coding strand, the complement: MYH6 is on the minus strand). VCF-style: chr14-23387828-C-A. GRCh37 (hg19) VCF-style: chr14-23857037-C-A.
Other names: short protein forms K1485N.
Identifiers: ClinVar variation 3019694 (VCV003019694.4), dbSNP rs376316942, ClinGen allele CA388997448.

ClinVar aggregate classification (germline): Uncertain significance. Review status: criteria provided, multiple submitters, no conflicts (2 of 4 stars). 2 submissions from 2 submitters: Uncertain significance (2). Last evaluated 2023-10-04.

Conditions:
Hypertrophic cardiomyopathy 14. Identifiers: MedGen C2750467, MONDO:0013197, OMIM 613251.

gnomAD v4.1: 1 of 1,614,112 alleles (0.000062%); highest among the groups gnomAD compares: South Asian, 0.0011%; no homozygotes.

Submissions (2):

Labcorp Genetics (formerly Invitae), Labcorp
Classification: Uncertain significance for Hypertrophic cardiomyopathy 14. Last evaluated: 2023-10-04. Review status: criteria provided, single submitter. Criteria: Invitae Variant Classification Sherloc (09022015). Collection method: clinical testing. Allele origin: germline.
Comment: This sequence change replaces lysine, which is basic and polar, with asparagine, which is neutral and polar, at codon 1485 of the MYH6 protein (p.Lys1485Asn). This variant is not present in population databases (gnomAD no frequency). This variant has not been reported in the literature in individuals affected with MYH6-related conditions. Advanced modeling of protein sequence and biophysical properties (such as structural, functional, and spatial information, amino acid conservation, physicochemical variation, residue mobility, and thermodynamic stability) has been performed at Invitae for this missense variant, however the output from this modeling did not meet the statistical confidence thresholds required to predict the impact of this variant on MYH6 protein function. In summary, the available evidence is currently insufficient to determine the role of this variant in disease. Therefore, it has been classified as a Variant of Uncertain Significance.

Blueprint Genetics
Classification: Uncertain significance. Last evaluated: 2022-01-14. Review status: criteria provided, single submitter. Criteria: ACMG Guidelines, 2015. Collection method: clinical testing. Allele origin: germline.